The following is an entry in ClinVar:

NM_001267550.2(TTN):c.52229A>T (p.Asp17410Val)

Genes: TTN (titin; minus strand), TTN-AS1 (TTN antisense RNA 1; plus strand). Cytogenetic location: 2q31.2.
Variant type: single nucleotide variant.
Coding change: c.52229A>T on transcript NM_001267550.2 (MANE Select); coding-DNA position 52229, A replaced by T.
Protein change: p.Asp17410Val; replaces aspartic acid 17410 with valine.
Molecular consequence: missense variant.
Genome position (GRCh38, 1-based): chr2:178,608,782, T>A on the plus strand (A>T on the coding strand, the complement: TTN is on the minus strand). VCF-style: chr2-178608782-T-A. GRCh37 (hg19) VCF-style: chr2-179473509-T-A.
Other names: c.47306A>T, p.Asp15769Val (NM_001256850.1); c.25034A>T, p.Asp8345Val (NM_003319.4); c.44525A>T, p.Asp14842Val (NM_133378.4); c.25409A>T, p.Asp8470Val (NM_133432.3); c.25610A>T, p.Asp8537Val (NM_133437.4); short protein forms D14842V, D15769V, D17410V, D8345V, D8470V, D8537V.
Identifiers: ClinVar variation 3373542 (VCV003373542.1).

ClinVar aggregate classification (germline): Uncertain significance (1 of 4 stars; one submission).

gnomAD v4.1: 1 of 1,612,568 alleles (0.000062%); highest among the groups gnomAD compares: African/African-American, 0.0013%; no homozygotes.

Submission:

GeneDx
Classification: Uncertain significance. Last evaluated: 2024-03-10. Review status: criteria provided, single submitter. Criteria: GeneDx Variant Classification Process June 2021. Collection method: clinical testing. Allele origin: germline. Affected: yes.
Comment: Not observed at significant frequency in large population cohorts (gnomAD); Missense variant in a gene in which most reported pathogenic variants are truncating/loss of function; Has not been previously published as pathogenic or benign to our knowledge; Located in the A-band region of TTN in which the majority of loss of function variants have been associated with autosomal dominant titinopathies (PMID: 22335739); This variant is associated with the following publications: (PMID: 22335739)